The following is an entry in ClinVar:

NM_000321.3(RB1):c.2211G>A (p.Glu737=)

Gene: RB1 (RB transcriptional corepressor 1; plus strand). Cytogenetic location: 13q14.2.
Variant type: single nucleotide variant.
Coding change: c.2211G>A on transcript NM_000321.3 (MANE Select); coding-DNA position 2211, G replaced by A.
Protein change: p.Glu737=; no amino-acid change (glutamic acid 737 retained).
Molecular consequence: synonymous variant.
Genome position (GRCh38, 1-based): chr13:48,463,835, G>A. VCF-style: chr13-48463835-G-A. GRCh37 (hg19) VCF-style: chr13-49037971-G-A.
Other names: IVS21, G-A, -1.
Identifiers: ClinVar variation 13089 (VCV000013089.4), dbSNP rs587776787, ClinGen allele CA026429.

ClinVar aggregate classification (germline): Pathogenic. Review status: criteria provided, single submitter (1 of 4 stars). 2 submissions from 2 submitters: Pathogenic (1). 1 of the submissions does not count toward it. Last evaluated 2023-02-03.

Conditions:
Hereditary cancer-predisposing syndrome. Also called: Tumor predisposition; Hereditary neoplastic syndrome; Neoplastic Syndromes, Hereditary; Hereditary Cancer Syndrome. Identifiers: Orphanet 140162, MedGen C0027672, MeSH D009386, MONDO:0015356.
Retinoblastoma (RB1). Also called: RETINOBLASTOMA, SOMATIC. Identifiers: Orphanet 790, MedGen C0035335, MeSH D012175, MONDO:0008380, OMIM 180200, HP:0009919. Disease mechanism: loss of function. Inheritance: Both sporadic and heritable forms are tested..

Submissions (2):

Ambry Genetics
Classification: Pathogenic for Hereditary cancer-predisposing syndrome. Last evaluated: 2023-02-03. Review status: criteria provided, single submitter. Criteria: Ambry Variant Classification Scheme 2023. Collection method: clinical testing. Allele origin: germline.
Comment: The c.2211G>A pathogenic mutation (also known as p.E737E), located in coding exon 21 of the RB1 gene, results from a G to A substitution at nucleotide position 2211. This nucleotide substitution does not change the glutamic acid at codon 737. However, this change occurs in the last base pair of coding exon 21, which makes it likely to have some effect on normal mRNA splicing. This alteration has been reported in a large kindred affected with retinoblastoma and segregated with disease in at least five affected individuals; however, presented with reduced penetrance in comparison to some typical RB1 pathogenic mutations (Schubert EL et al. Hum Genet, 1997 Oct;100:557-63). In addition, this variant was reported to be the result of a de novo mutation or germline mosaicism in one individual with unilateral retinoblastoma (Fang X et al. Ophthalmic Genet . 2021 Oct;42(5):593-599). This nucleotide position is highly conserved in available vertebrate species. In silico splice site analysis predicts that this alteration will result in the creation or strengthening of a novel splice donor site. RNA studies have demonstrated that this alteration results in abnormal splicing in the set of samples tested (Ambry internal data). Based on the supporting evidence, this alteration is interpreted as a disease-causing mutation.

OMIM
Classification: Pathogenic for RETINOBLASTOMA. Last evaluated: 1997-10-01. Review status: no assertion criteria provided. Collection method: literature only. Allele origin: germline. Not counted in ClinVar's aggregate classification.

Literature cited by the submitters: PubMed 16269091 (cited by Ambry Genetics); PubMed 23820649 (cited by Ambry Genetics); PubMed 34190019 (cited by Ambry Genetics); PubMed 9341870 (cited by Ambry Genetics and OMIM).